The following is an entry in ClinVar:

ClinVar aggregate classification (germline): Uncertain significance (1 of 4 stars; one submission).

Conditions:
Immunoglobulin-mediated membranoproliferative glomerulonephritis. Also called: NEPHROTIC SYNDROME, TYPE 7, WITH MEMBRANOPROLIFERATIVE GLOMERULONEPHRITIS; Nephrotic syndrome, type 7. Identifiers: Orphanet 329903, MedGen C3554330, MONDO:0014005, OMIM 615008.

Submission:

MVZ Medizinische Genetik Mainz
Classification: Uncertain significance for Immunoglobulin-mediated membranoproliferative glomerulonephritis. Last evaluated: 2022-03-01. Review status: criteria provided, single submitter. Criteria: UK Practice Guidelines For Variant Classification V4 01 2020. Collection method: clinical testing. Allele origin: germline. Inheritance: Autosomal recessive inheritance. Affected: yes. Observed: 1 variant allele.
Comment: ACMG Criteria: PM2_SUP, PM3_SUP, PP3, PP4

NM_003647.3(DGKE):c.379T>A (p.Trp127Arg)

Gene: DGKE (diacylglycerol kinase epsilon; plus strand). Cytogenetic location: 17q22.
Variant type: single nucleotide variant.
Coding change: c.379T>A on transcript NM_003647.3 (MANE Select); coding-DNA position 379, T replaced by A.
Protein change: p.Trp127Arg; replaces tryptophan 127 with arginine.
Molecular consequence: missense variant.
Genome position (GRCh38, 1-based): chr17:56,835,174, T>A. VCF-style: chr17-56835174-T-A. GRCh37 (hg19) VCF-style: chr17-54912535-T-A.
Other names: short protein forms W127R.
Identifiers: ClinVar variation 3236025 (VCV003236025.1), dbSNP rs2509259350, ClinGen allele CA399922454.